The following is an entry in ClinVar:

NM_007294.4(BRCA1):c.1838_1849del (p.Arg613_Ser616del)

Gene: BRCA1 (BRCA1 DNA repair associated; minus strand). Cytogenetic location: 17q21.31.
Variant type: Deletion.
Coding change: c.1838_1849del on transcript NM_007294.4 (MANE Select); coding-DNA positions 1838 to 1849, 12 bases deleted (GGAAGTCTTCTA).
Protein change: p.Arg613_Ser616del.
Molecular consequence: inframe deletion. On other transcripts: intron variant (137).
Genome position (GRCh38, 1-based): chr17:43,093,682-43,093,693, TAGAAGACTTCC deleted on the plus strand (GGAAGTCTTCTA on the coding strand, the reverse complement: BRCA1 is on the minus strand); deleting any 12 consecutive bases within chr17:43,093,682-43,093,694 gives the same sequence; the c. name uses the placement nearest the transcript's 3' end. VCF-style (leftmost placement, unchanged base first): chr17-43093681-GTAGAAGACTTCC-G. GRCh37 (hg19) VCF-style: chr17-41245698-GTAGAAGACTTCC-G.
Other names: c.1628_1639del, p.Arg543_Ser546del (NM_001407879.1, NM_001407881.1, NM_001407882.1 and 13 more transcripts); c.1634_1645del, p.Arg545_Ser548del (NM_001407875.1, NM_001407874.1); c.1625_1636del, p.Arg542_Ser545del (NM_001407894.1, NM_001407895.1, NM_001407571.1 and 9 more transcripts); c.787+1051_787+1062del (NM_001407969.1, NM_001407968.1, NM_001407973.1 and 19 more transcripts); c.577+1051_577+1062del (NM_001408492.1, NM_001408513.1, NM_001408489.1 and 9 more transcripts); c.643+1051_643+1062del (NM_001408468.1, NM_001408465.1, NM_001408463.1 and 3 more transcripts); c.523+1051_523+1062del (NM_001408501.1, NM_001408500.1, NM_001408497.1 and 3 more transcripts); c.646+1051_646+1062del (NM_001408455.1, NM_001408466.1, NM_001408452.1 and 11 more transcripts); and 40 more.
Identifiers: ClinVar variation 2709509 (VCV002709509.3), dbSNP rs2552197820, ClinGen allele CA2697554270.

ClinVar aggregate classification (germline): Uncertain significance (1 of 4 stars; one submission).

Conditions:
Hereditary breast ovarian cancer syndrome. Also called: Hereditary breast and ovarian cancer syndrome; Hereditary breast and ovarian cancer syndrome (HBOC); Hereditary breast and/or ovarian cancer syndrome; Hereditary breast and ovarian cancer; Breast and ovarian cancer; BRCA1- and BRCA2-Associated Hereditary Breast and Ovarian Cancer. Identifiers: Orphanet 145, MedGen C0677776, MeSH D061325, MONDO:0003582. Disease mechanism: loss of function.

Submission:

Labcorp Genetics (formerly Invitae), Labcorp
Classification: Uncertain significance for Hereditary breast ovarian cancer syndrome. Last evaluated: 2024-01-16. Review status: criteria provided, single submitter. Criteria: Invitae Variant Classification Sherloc (09022015). Collection method: clinical testing. Allele origin: germline.
Comment: This variant, c.1838_1849del, results in the deletion of 4 amino acid(s) of the BRCA1 protein (p.Arg613_Ser616del), but otherwise preserves the integrity of the reading frame. This variant is not present in population databases (gnomAD no frequency). This variant has not been reported in the literature in individuals affected with BRCA1-related conditions. Experimental studies and prediction algorithms are not available or were not evaluated, and the functional significance of this variant is currently unknown. In summary, the available evidence is currently insufficient to determine the role of this variant in disease. Therefore, it has been classified as a Variant of Uncertain Significance.